The following is an entry in ClinVar:

NM_000059.4(BRCA2):c.7630G>C (p.Gly2544Arg)

Gene: BRCA2 (BRCA2 DNA repair associated; plus strand). Cytogenetic location: 13q13.1.
Variant type: single nucleotide variant.
Coding change: c.7630G>C on transcript NM_000059.4 (MANE Select); coding-DNA position 7630, G replaced by C.
Protein change: p.Gly2544Arg; replaces glycine 2544 with arginine.
Molecular consequence: missense variant.
Genome position (GRCh38, 1-based): chr13:32,357,754, G>C. VCF-style: chr13-32357754-G-C. GRCh37 (hg19) VCF-style: chr13-32931891-G-C.
Other names: short protein forms G2544R.
Identifiers: ClinVar variation 236907 (VCV000236907.25), dbSNP rs587781485, ClinGen allele CA10583133.
Genomic context (GRCh38, chr13:32,357,754, plus strand): 5'-GTTTACTTTAAATTGTTTTTCTTTTTTGTGTGTGTTTATTTTGTGTAGCTGTATACGTAT[G>C]GCGTTTCTAAACATTGCATAAAAATTAACAGCAAAAATGCAGAGTCTTTTCAGTTTCACA-3'
Protein context (NP_000050.3, residues 2534-2554): ACSHKQLYTY[Gly2544Arg]VSKHCIKINS

ClinVar aggregate classification (germline): Conflicting classifications of pathogenicity. Review status: criteria provided, conflicting classifications (1 of 4 stars). 8 submissions from 8 submitters: Uncertain significance (7); Likely benign (1). Last evaluated 2026-01-28.

Conditions:
Hereditary cancer-predisposing syndrome. Also called: Tumor predisposition; Hereditary neoplastic syndrome; Hereditary Cancer Syndrome; Neoplastic Syndromes, Hereditary. Identifiers: Orphanet 140162, MedGen C0027672, MeSH D009386, MONDO:0015356.
Hereditary breast ovarian cancer syndrome. Also called: Hereditary breast and/or ovarian cancer syndrome; Breast and ovarian cancer; Hereditary breast and ovarian cancer; Hereditary breast and ovarian cancer syndrome; Hereditary breast and ovarian cancer syndrome (HBOC); BRCA1- and BRCA2-Associated Hereditary Breast and Ovarian Cancer. Identifiers: Orphanet 145, MedGen C0677776, MeSH D061325, MONDO:0003582. Disease mechanism: loss of function.
Breast-ovarian cancer, familial, susceptibility to, 2 (BROVCA2). Also called: BRCA2 Hereditary Breast and Ovarian Cancer. Identifiers: Orphanet 145, MedGen C2675520, MONDO:0012933, OMIM 612555. Disease mechanism: loss of function.

Allele frequency attached by ClinVar (database versions not stated): gnomAD exomes below 0.00001.
gnomAD v4.1: 1 of 1,612,372 alleles (0.000062%); highest among the groups gnomAD compares: Non-Finnish European, 0.000085%; no homozygotes.

Submissions (8):

Labcorp Genetics (formerly Invitae), Labcorp
Classification: Uncertain significance for Hereditary breast ovarian cancer syndrome. Last evaluated: 2026-01-28. Review status: criteria provided, single submitter. Criteria: Invitae Variant Classification Sherloc (09022015). Collection method: clinical testing. Allele origin: germline.
Comment: This sequence change replaces glycine, which is neutral and non-polar, with arginine, which is basic and polar, at codon 2544 of the BRCA2 protein (p.Gly2544Arg). This variant is not present in population databases (gnomAD no frequency). This missense change has been observed in individual(s) with BRCA2-related cancer (PMID: 7436117, 30159786). ClinVar contains an entry for this variant (Variation ID: 236907). Invitae Evidence Modeling of protein sequence and biophysical properties (such as structural, functional, and spatial information, amino acid conservation, physicochemical variation, residue mobility, and thermodynamic stability) has been performed for this missense variant. However, the output from this modeling did not meet the statistical confidence thresholds required to predict the impact of this variant on BRCA2 protein function. In summary, the available evidence is currently insufficient to determine the role of this variant in disease. Therefore, it has been classified as a Variant of Uncertain Significance.

Dasa
Classification: Uncertain significance for Breast-ovarian cancer, familial, susceptibility to, 2. Last evaluated: 2025-05-07. Review status: criteria provided, single submitter. Criteria: DASA Assertion Criteria. Collection method: clinical testing. Allele origin: germline.
Comment: NM_000059.4(BRCA2):c.7630G>C (p.Gly2544Arg) is a missense variant that results in the substitution of glycine with arginine. Functional evidence supports an impact on the gene or gene product (PMID: 38417439). Also, this variant is rare in population databases. Computational prediction algorithms are consistent with a deleterious effect. The currently available literature and clinical evidence are not sufficient to establish a definitive association between this variant and the reported condition. Therefore, this variant is classified as a variant of uncertain significance.

All of Us Research Program, National Institutes of Health
Classification: Uncertain significance for Breast-ovarian cancer, familial, susceptibility to, 2. Last evaluated: 2023-07-10. Review status: criteria provided, single submitter. Criteria: ACMG Guidelines, 2015. Collection method: clinical testing. Allele origin: germline. Inheritance: Autosomal dominant inheritance. Observed: 1 variant allele, 1 heterozygote.
Comment: This missense variant replaces glycine with arginine at codon 2544 of the BRCA2 protein. Computational prediction suggests that this variant may have deleterious impact on protein structure and function (internally defined REVEL score threshold >= 0.7, PMID: 27666373). To our knowledge, functional studies have not been reported for this variant. This variant has been reported in an individual with a personal or family history of breast cancer (PMID: 30159786). This variant has not been identified in the general population by the Genome Aggregation Database (gnomAD). The available evidence is insufficient to determine the role of this variant in disease conclusively. Therefore, this variant is classified as a Variant of Uncertain Significance.

This study involves interpretation of variants in research participants for the purpose of population health screening. Participant phenotype was not available at the time of variant classification. Additional details can be found in publication PMID: 35346344, PMCID: PMC8962531

Color Diagnostics, LLC DBA Color Health
Classification: Uncertain significance for Hereditary cancer-predisposing syndrome. Last evaluated: 2023-06-22. Review status: criteria provided, single submitter. Criteria: ACMG Guidelines, 2015. Collection method: clinical testing. Allele origin: germline.
Comment: This missense variant replaces glycine with arginine at codon 2544 of the BRCA2 protein. Computational prediction suggests that this variant may have deleterious impact on protein structure and function (internally defined REVEL score threshold >= 0.7, PMID: 27666373). To our knowledge, functional studies have not been reported for this variant. This variant has been reported in an individual with a personal or family history of breast cancer (PMID: 30159786). This variant has not been identified in the general population by the Genome Aggregation Database (gnomAD). The available evidence is insufficient to determine the role of this variant in disease conclusively. Therefore, this variant is classified as a Variant of Uncertain Significance.

GeneDx
Classification: Uncertain significance. Last evaluated: 2023-05-26. Review status: criteria provided, single submitter. Criteria: GeneDx Variant Classification Process June 2021. Collection method: clinical testing. Allele origin: germline. Affected: yes.
Comment: Not observed at significant frequency in large population cohorts (gnomAD); In silico analysis supports that this missense variant does not alter protein structure/function; Observed in an individual with a personal and/or family history of breast cancer (de Souza Timoteo et al., 2018); Also known as 7858G>C; This variant is associated with the following publications: (PMID: 12228710, 30159786, 29884841, 32377563, 28704513, 29881398)

Ambry Genetics
Classification: Likely benign for Hereditary cancer-predisposing syndrome. Last evaluated: 2022-01-03. Review status: criteria provided, single submitter. Criteria: Ambry Variant Classification Scheme 2023. Collection method: clinical testing. Allele origin: germline.

Women's Health and Genetics/Laboratory Corporation of America, LabCorp
Classification: Uncertain significance. Last evaluated: 2020-05-26. Review status: criteria provided, single submitter. Criteria: LabCorp Variant Classification Summary - May 2015. Collection method: clinical testing. Allele origin: germline.
Comment: Variant summary: BRCA2 c.7630G>C (p.Gly2544Arg) results in a non-conservative amino acid change located in the Breast cancer type 2 susceptibility protein, helical domain (IPR015252) of the encoded protein sequence. Five of five in-silico tools predict a damaging effect of the variant on protein function. The variant was absent in 250832 control chromosomes (gnomAD). The available data on variant occurrences in the general population are insufficient to allow any conclusion about variant significance. c.7630G>C has been reported in the literature in one individual with personal or family history of breast cancer (de Souza Timoteo_2018). The report does not provide unequivocal conclusions about association of the variant with Hereditary Breast And Ovarian Cancer Syndrome. To our knowledge, no experimental evidence demonstrating an impact on protein function has been reported. Three ClinVar submitters (evaluation after 2014) cite the variant as uncertain significance. Based on the evidence outlined above, the variant was classified as uncertain significance.

Genetic Services Laboratory, University of Chicago
Classification: Uncertain significance. Last evaluated: 2019-05-09. Review status: criteria provided, single submitter. Criteria: ACMG Guidelines, 2015. Collection method: clinical testing. Allele origin: germline. Affected: no.

Literature cited by the submitters: PubMed 7436117 (cited by Labcorp Genetics (formerly Invitae), Labcorp); PubMed 30159786 (cited by 5 submitters); PubMed 38417439 (cited by Dasa); PubMed 29881398 (cited by Women's Health and Genetics/Laboratory Corporation of America, LabCorp).